The following is an entry in ClinVar:

ClinVar aggregate classification (germline): Uncertain significance (1 of 4 stars; one submission).

Submission:

Labcorp Genetics (formerly Invitae), Labcorp
Classification: Uncertain significance. Last evaluated: 2024-11-15. Review status: criteria provided, single submitter. Criteria: Invitae Variant Classification Sherloc (09022015). Collection method: clinical testing. Allele origin: germline.
Comment: This sequence change replaces leucine, which is neutral and non-polar, with proline, which is neutral and non-polar, at codon 2576 of the NSD1 protein (p.Leu2576Pro). This variant is not present in population databases (gnomAD no frequency). This variant has not been reported in the literature in individuals affected with NSD1-related conditions. Invitae Evidence Modeling of protein sequence and biophysical properties (such as structural, functional, and spatial information, amino acid conservation, physicochemical variation, residue mobility, and thermodynamic stability) indicates that this missense variant is not expected to disrupt NSD1 protein function with a negative predictive value of 95%. In summary, the available evidence is currently insufficient to determine the role of this variant in disease. Therefore, it has been classified as a Variant of Uncertain Significance.

NM_022455.5(NSD1):c.7727T>C (p.Leu2576Pro)

Gene: NSD1 (nuclear receptor binding SET domain protein 1; plus strand). Cytogenetic location: 5q35.3.
Variant type: single nucleotide variant.
Coding change: c.7727T>C on transcript NM_022455.5 (MANE Select); coding-DNA position 7727, T replaced by C.
Protein change: p.Leu2576Pro; replaces leucine 2576 with proline.
Molecular consequence: missense variant.
Genome position (GRCh38, 1-based): chr5:177,295,095, T>C. VCF-style: chr5-177295095-T-C. GRCh37 (hg19) VCF-style: chr5-176722096-T-C.
Other names: c.6854T>C, p.Leu2285Pro (NM_001365684.2, NM_001409308.1, NM_172349.5); c.7727T>C, p.Leu2576Pro (NM_001409301.1, NM_001409302.1, NM_001409303.1); c.7307T>C, p.Leu2436Pro (NM_001409304.1); c.6974T>C, p.Leu2325Pro (NM_001409305.1); c.6965T>C, p.Leu2322Pro (NM_001409306.1, NM_001409307.1); c.6605T>C, p.Leu2202Pro (NM_001409309.1); short protein forms L2202P, L2285P, L2322P, L2325P, L2436P, L2576P.
Identifiers: ClinVar variation 3618858 (VCV003618858.2).